The following is an entry in ClinVar:

Conditions:
Long QT syndrome 5 (LQT5). Identifiers: Orphanet 101016, Orphanet 768, MedGen C1867904, MONDO:0013372, OMIM 613695.

Submission:

Roden Lab, Vanderbilt University Medical Center
No classification provided (evidence only). Condition: Long QT syndrome 5. Review status: no classification provided. Collection method: in vitro. Allele origin: not applicable. Functional consequence: Effect on ion channel function.
ClinVar note: "not provided" was previously submitted as the classification for the variant. However, the classification appeared to be based only on an observation of functional data so it was converted to no classification on 2025-07-30.

NM_000219.6(KCNE1):c.116A>C (p.Asp39Ala)

Gene: KCNE1 (potassium voltage-gated channel subfamily E regulatory subunit 1; minus strand). Cytogenetic location: 21q22.12.
Variant type: single nucleotide variant.
Coding change: c.116A>C on transcript NM_000219.6 (MANE Select); coding-DNA position 116, A replaced by C.
Protein change: p.Asp39Ala; replaces aspartic acid 39 with alanine.
Molecular consequence: missense variant.
Genome position (GRCh38, 1-based): chr21:34,449,519, T>G on the plus strand (A>C on the coding strand, the complement: KCNE1 is on the minus strand). VCF-style: chr21-34449519-T-G. GRCh37 (hg19) VCF-style: chr21-35821817-T-G.
Other names: c.116A>C, p.Asp39Ala (NM_001127668.4, NM_001127669.4, NM_001127670.4 and 4 more transcripts); short protein forms D39A.
Identifiers: ClinVar variation 3374085 (VCV003374085.2).
Genomic context (GRCh38, chr21:34,449,519, plus strand): 5'-AGGGTGAAGAAGCCGAAGAATCCCAGTACCATGAGGACGTAGAGGGCCTCCAGCTTGCCG[T>G]CACTGCTGCGGGGGGACCTGCGGGCCAGGCCCGACATGTTGCCACCCTGCTGAACTGTCT-3'
Protein context (NP_000210.2, residues 29-49): GLARRSPRSS[Asp39Ala]GKLEALYVLM